The following is an entry in ClinVar:

NM_003073.5(SMARCB1):c.781C>A (p.Arg261Ser)

Gene: SMARCB1 (SWI/SNF related BAF chromatin remodeling complex subunit B1; plus strand). Cytogenetic location: 22q11.23.
Variant type: single nucleotide variant.
Coding change: c.781C>A on transcript NM_003073.5 (MANE Select); coding-DNA position 781, C replaced by A.
Protein change: p.Arg261Ser; replaces arginine 261 with serine.
Molecular consequence: missense variant.
Genome position (GRCh38, 1-based): chr22:23,816,922, C>A. VCF-style: chr22-23816922-C-A. GRCh37 (hg19) VCF-style: chr22-24159109-C-A.
Other names: c.754C>A, p.Arg252Ser (NM_001007468.3); c.808C>A, p.Arg270Ser (NM_001317946.2); c.835C>A, p.Arg279Ser (NM_001362877.2); short protein forms R252S, R270S, R261S, R279S.
Identifiers: ClinVar variation 1760761 (VCV001760761.4), dbSNP rs1368176286, ClinGen allele CA410901971.
Genomic context (GRCh38, chr22:23,816,922, plus strand): 5'-ATCAGACAGCAGATCGAGTCCTACCCCACGGACAGCATCCTGGAGGACCAGTCAGACCAG[C>A]GCGTCATCATCAAGGTAGGTGACTTCTCACCCAGCACTGGAGCCTTCCTGGCCCTCAGGG-3'
Protein context (NP_003064.2, residues 251-271): DSILEDQSDQ[Arg261Ser]VIIKLNIHVG

ClinVar aggregate classification (germline): Uncertain significance. Review status: criteria provided, multiple submitters, no conflicts (2 of 4 stars). 2 submissions from 2 submitters: Uncertain significance (2). Last evaluated 2024-05-27.

Conditions:
Hereditary cancer-predisposing syndrome. Also called: Neoplastic Syndromes, Hereditary; Tumor predisposition; Hereditary Cancer Syndrome; Hereditary neoplastic syndrome. Identifiers: Orphanet 140162, MedGen C0027672, MeSH D009386, MONDO:0015356.

Submissions (2):

Labcorp Genetics (formerly Invitae), Labcorp
Classification: Uncertain significance. Last evaluated: 2024-05-27. Review status: criteria provided, single submitter. Criteria: Invitae Variant Classification Sherloc (09022015). Collection method: clinical testing. Allele origin: germline.
Comment: This sequence change replaces arginine, which is basic and polar, with serine, which is neutral and polar, at codon 261 of the SMARCB1 protein (p.Arg261Ser). This variant is not present in population databases (gnomAD no frequency). This variant has not been reported in the literature in individuals affected with SMARCB1-related conditions. ClinVar contains an entry for this variant (Variation ID: 1760761). Advanced modeling of protein sequence and biophysical properties (such as structural, functional, and spatial information, amino acid conservation, physicochemical variation, residue mobility, and thermodynamic stability) performed at Invitae indicates that this missense variant is expected to disrupt SMARCB1 protein function with a positive predictive value of 80%. In summary, the available evidence is currently insufficient to determine the role of this variant in disease. Therefore, it has been classified as a Variant of Uncertain Significance.

Ambry Genetics
Classification: Uncertain significance for Hereditary cancer-predisposing syndrome. Last evaluated: 2021-07-21. Review status: criteria provided, single submitter. Criteria: Ambry Variant Classification Scheme 2023. Collection method: clinical testing. Allele origin: germline.
Comment: The p.R261S variant (also known as c.781C>A), located in coding exon 6 of the SMARCB1 gene, results from a C to A substitution at nucleotide position 781. The arginine at codon 261 is replaced by serine, an amino acid with dissimilar properties. This amino acid position is highly conserved in available vertebrate species. In addition, this alteration is predicted to be deleterious by in silico analysis. Missense and in-frame variants in SMARCB1 are known to cause neurodevelopmental disorders; however, such associations with rhabdoid tumor predisposition syndrome are exceedingly rare (Kosho T et al. Am J Med Genet C Semin Med Genet. 2014 Sep;166C(3):262-75; Eaton KW et al. Pediatr Blood Cancer. 2011 Jan;56(1):7-15). Since supporting evidence is limited at this time, the clinical significance of this alteration remains unclear.